The following is an entry in ClinVar:

NM_206933.4(USH2A):c.15391C>T (p.Gln5131Ter)

Gene: USH2A (usherin; minus strand). Cytogenetic location: 1q41.
Variant type: single nucleotide variant.
Coding change: c.15391C>T on transcript NM_206933.4 (MANE Select); coding-DNA position 15391, C replaced by T.
Protein change: p.Gln5131Ter; replaces glutamine 5131 with a stop codon.
Molecular consequence: nonsense.
Genome position (GRCh38, 1-based): chr1:215,628,942, G>A on the plus strand (C>T on the coding strand, the complement: USH2A is on the minus strand). VCF-style: chr1-215628942-G-A. GRCh37 (hg19) VCF-style: chr1-215802284-G-A.
Other names: short protein forms Q5131*.
Identifiers: ClinVar variation 2749303 (VCV002749303.3), dbSNP rs1192363193, ClinGen allele CA344821050.
Genomic context (GRCh38, chr1:215,628,942, plus strand): 5'-TGTCCATGAGCTGGCTGACGCTGCGGTGAAGAGAACCCTGGGAGTAGGTTAGGCTGGTTT[G>A]GTTTTGACTCGGGATGCGCAGGACACATGCACTCCGGTTGCTGCGGATACTCACAGGTGT-3'

ClinVar aggregate classification (germline): Pathogenic (1 of 4 stars; one submission).

Submission:

Labcorp Genetics (formerly Invitae), Labcorp
Classification: Pathogenic. Last evaluated: 2023-08-02. Review status: criteria provided, single submitter. Criteria: Invitae Variant Classification Sherloc (09022015). Collection method: clinical testing. Allele origin: germline.
Comment: For these reasons, this variant has been classified as Pathogenic. Algorithms developed to predict the effect of sequence changes on RNA splicing suggest that this variant may create or strengthen a splice site. This variant has not been reported in the literature in individuals affected with USH2A-related conditions. This variant is not present in population databases (gnomAD no frequency). This sequence change creates a premature translational stop signal (p.Gln5131*) in the USH2A gene. It is expected to result in an absent or disrupted protein product. Loss-of-function variants in USH2A are known to be pathogenic (PMID: 10729113, 10909849, 20507924, 25649381).

Literature cited by the submitters: PubMed 10729113; PubMed 10909849; PubMed 20507924; PubMed 25649381.